The following is an entry in ClinVar:

ClinVar aggregate classification (germline): Uncertain significance (1 of 4 stars; one submission).

Conditions:
Aneurysm-osteoarthritis syndrome. Also called: SMAD3-Related Loeys-Dietz Syndrome; ANEURYSMS-OSTEOARTHRITIS SYNDROME; Loeys-Dietz syndrome, type 1C; LOEYS-DIETZ SYNDROME WITH OSTEOARTHRITIS. Identifiers: Orphanet 284984, MedGen C3151087, MONDO:0013426, OMIM 613795.

Submission:

All of Us Research Program, National Institutes of Health
Classification: Uncertain significance for Aneurysm-osteoarthritis syndrome. Last evaluated: 2023-08-15. Review status: criteria provided, single submitter. Criteria: ACMG Guidelines, 2015. Collection method: clinical testing. Allele origin: germline. Inheritance: Autosomal dominant inheritance. Observed: 1 variant allele, 1 heterozygote.
Comment: This variant deletes one nucleotide in the 3' untranslated region of the SMAD3 gene. To our knowledge, functional studies have not been reported for this variant. This variant has not been reported in individuals affected with SMAD3-related disorders in the literature. This variant has not been identified in the general population by the Genome Aggregation Database (gnomAD). The available evidence is insufficient to determine the role of this variant in disease conclusively. Therefore, this variant is classified as a Variant of Uncertain Significance.

This study involves interpretation of variants in research participants for the purpose of population health screening. Participant phenotype was not available at the time of variant classification. Additional details can be found in publication PMID: 35346344, PMCID: PMC8962531

NM_005902.4(SMAD3):c.-5del

Genes: SMAD3 (SMAD family member 3; plus strand), LOC130057352 (ATAC-STARR-seq lymphoblastoid silent region 6574; plus strand). Cytogenetic location: 15q22.33.
Variant type: Deletion.
Coding change: c.-5del on transcript NM_005902.4 (MANE Select); 5 bases upstream of the start codon, one base deleted (C; older notation c.-5delC).
Molecular consequence: 5 prime UTR variant.
Genome position (GRCh38, 1-based): chr15:67,066,150, C deleted; the last of 4 consecutive C bases (chr15:67,066,147-67,066,150); deleting any one gives the same sequence. VCF-style (leftmost placement, unchanged base first): chr15-67066146-TC-T. GRCh37 (hg19) VCF-style: chr15-67358484-TC-T.
Other names: c.-5del (NM_001407011.1, NM_001407012.1, NM_001407013.1).
Identifiers: ClinVar variation 3072697 (VCV003072697.1), dbSNP rs2504999744, ClinGen allele CA2629114955.